The following is an entry in ClinVar:

ClinVar aggregate classification (germline): Uncertain significance (1 of 4 stars; one submission).

Conditions:
LAMA2-related muscular dystrophy (LAMA2-RD). Also called: Laminin alpha 2-related dystrophy. Identifiers: MedGen C5679788, MONDO:0100228.

Allele frequency attached by ClinVar (database versions not stated): gnomAD exomes below 0.00001.
gnomAD v4.1: 1 of 1,610,942 alleles (0.000062%); highest among the groups gnomAD compares: Non-Finnish European, 0.000085%; no homozygotes.

Submission:

Labcorp Genetics (formerly Invitae), Labcorp
Classification: Uncertain significance for LAMA2-related muscular dystrophy. Last evaluated: 2021-09-24. Review status: criteria provided, single submitter. Criteria: Invitae Variant Classification Sherloc (09022015). Collection method: clinical testing. Allele origin: germline.
Comment: This sequence change replaces glutamic acid with lysine at codon 1857 of the LAMA2 protein (p.Glu1857Lys). The glutamic acid residue is moderately conserved and there is a small physicochemical difference between glutamic acid and lysine. This variant is not present in population databases (ExAC no frequency). This variant has not been reported in the literature in individuals with LAMA2-related conditions. Advanced modeling of protein sequence and biophysical properties (such as structural, functional, and spatial information, amino acid conservation, physicochemical variation, residue mobility, and thermodynamic stability) performed at Invitae indicates that this missense variant is not expected to disrupt LAMA2 protein function. In summary, the available evidence is currently insufficient to determine the role of this variant in disease. Therefore, it has been classified as a Variant of Uncertain Significance.

NM_000426.4(LAMA2):c.5569G>A (p.Glu1857Lys)

Gene: LAMA2 (laminin subunit alpha 2; plus strand). Cytogenetic location: 6q22.33.
Variant type: single nucleotide variant.
Coding change: c.5569G>A on transcript NM_000426.4 (MANE Select); coding-DNA position 5569, G replaced by A.
Protein change: p.Glu1857Lys; replaces glutamic acid 1857 with lysine.
Molecular consequence: missense variant.
Genome position (GRCh38, 1-based): chr6:129,402,330, G>A. VCF-style: chr6-129402330-G-A. GRCh37 (hg19) VCF-style: chr6-129723475-G-A.
Other names: c.5569G>A, p.Glu1857Lys (NM_001079823.2); short protein forms E1857K.
Identifiers: ClinVar variation 2055295 (VCV002055295.1), dbSNP rs2533298102, ClinGen allele CA365615992.
Genomic context (GRCh38, chr6:129,402,330, plus strand): 5'-AAGAGAGGAGGCTTGAATTCACTTGCTTAAAATGCCCTCTTCTCTACATATCAGTATGTT[G>A]AAGACATCCAAACTAAATTGCCACCTATGTCTGAGGAGCTTAATGATAAAATAGATGACC-3'
Protein context (NP_000417.3, residues 1847-1867): DEINSIIDYV[Glu1857Lys]DIQTKLPPMS